The following is an entry in ClinVar:

ClinVar aggregate classification (germline): Conflicting classifications of pathogenicity. Review status: criteria provided, conflicting classifications (1 of 4 stars). 5 submissions from 5 submitters: Uncertain significance (1); Benign (1); Likely benign (3). Last evaluated 2026-01-24.

Conditions:
SBF2-related disorder. Also called: SBF2-related condition.
Charcot-Marie-Tooth disease. Also called: Charcot-Marie-Tooth Hereditary Neuropathy; Charcot-Marie-Tooth Neuropathy. Identifiers: Orphanet 166, MedGen C0007959, MONDO:0015626.
Inborn genetic diseases. Identifiers: MedGen C0950123, MeSH D030342.
Charcot-Marie-Tooth disease type 4. Also called: Charcot-Marie-Tooth disease, type IV; Charcot-Marie-Tooth, Type 4. Identifiers: Orphanet 64749, MedGen C4082197, MONDO:0018995.

Allele frequency attached by ClinVar (database versions not stated): ExAC 0.00019; gnomAD 0.00069 and 0.00074; TOPMed 0.00079; ESP Exome Variant Server 0.00085; 1000 Genomes Project 0.00120; 1000 Genomes Project 30x 0.00125.
gnomAD v4.1: 196 of 1,614,220 alleles (0.012%); highest among the groups gnomAD compares: African/African-American, 0.23%; 1 homozygote.

Submissions (5):

Labcorp Genetics (formerly Invitae), Labcorp
Classification: Benign for Charcot-Marie-Tooth disease type 4. Last evaluated: 2026-01-24. Review status: criteria provided, single submitter. Criteria: Invitae Variant Classification Sherloc (09022015). Collection method: clinical testing. Allele origin: germline.

PreventionGenetics, part of Exact Sciences
Classification: Likely benign for SBF2-related condition. Last evaluated: 2025-07-03. Review status: criteria provided, single submitter. Criteria: ACMG Guidelines, 2015. Collection method: clinical testing. Allele origin: germline.
Comment: This variant is classified as likely benign based on ACMG/AMP sequence variant interpretation guidelines (Richards et al. 2015 PMID: 25741868, with internal and published modifications).

Ambry Genetics
Classification: Likely benign for Inborn genetic diseases. Last evaluated: 2020-01-13. Review status: criteria provided, single submitter. Criteria: Ambry Variant Classification Scheme 2023. Collection method: clinical testing. Allele origin: germline.

GeneDx
Classification: Uncertain significance. Last evaluated: 2019-12-11. Review status: criteria provided, single submitter. Criteria: GeneDx Variant Classification Process June 2021. Collection method: clinical testing. Allele origin: germline. Affected: yes.
Comment: In silico analysis, which includes protein predictors and evolutionary conservation, supports that this variant does not alter protein structure/function; Has not been previously published as pathogenic or benign to our knowledge

Molecular Genetics Laboratory, London Health Sciences Centre
Classification: Likely benign for Charcot-Marie-Tooth disease. Review status: criteria provided, single submitter. Criteria: ACMG Guidelines, 2015. Collection method: clinical testing. Allele origin: germline. Affected: yes.

NM_030962.4(SBF2):c.4111G>C (p.Val1371Leu)

Gene: SBF2 (SET binding factor 2; minus strand). Cytogenetic location: 11p15.4.
Variant type: single nucleotide variant.
Coding change: c.4111G>C on transcript NM_030962.4 (MANE Select); coding-DNA position 4111, G replaced by C.
Protein change: p.Val1371Leu; replaces valine 1371 with leucine.
Molecular consequence: missense variant.
Genome position (GRCh38, 1-based): chr11:9,812,576, C>G on the plus strand (G>C on the coding strand, the complement: SBF2 is on the minus strand). VCF-style: chr11-9812576-C-G. GRCh37 (hg19) VCF-style: chr11-9834123-C-G.
Other names: c.4207G>C, p.Val1403Leu (NM_001386339.1); c.3982G>C, p.Val1328Leu (NM_001386342.1); short protein forms V1371L, V1328L, V1403L.
Identifiers: ClinVar variation 696933 (VCV000696933.16), dbSNP rs149501654, ClinGen allele CA5881061.
Genomic context (GRCh38, chr11:9,812,576, plus strand): 5'-CTGCTTCAGACATTACCTGTGGGAACCACTCAGAATCTCCCAGCGCTTTCAGGAAGGTCA[C>G]TTCTGAGTCAGTAGGGATGGTGCTTGGGATACAAGCCCTCATCAGCTTCTTAAAACTGGC-3'
Protein context (NP_112224.1, residues 1361-1381): IPSTIPTDSE[Val1371Leu]TFLKALGDSE